The following is an entry in ClinVar:

NM_005633.4(SOS1):c.685C>T (p.Pro229Ser)

Gene: SOS1 (SOS Ras/Rac guanine nucleotide exchange factor 1; minus strand). Cytogenetic location: 2p22.1.
Variant type: single nucleotide variant.
Coding change: c.685C>T on transcript NM_005633.4 (MANE Select); coding-DNA position 685, C replaced by T.
Protein change: p.Pro229Ser; replaces proline 229 with serine.
Molecular consequence: missense variant.
Genome position (GRCh38, 1-based): chr2:39,054,649, G>A on the plus strand (C>T on the coding strand, the complement: SOS1 is on the minus strand). VCF-style: chr2-39054649-G-A. GRCh37 (hg19) VCF-style: chr2-39281790-G-A.
Other names: c.664C>T, p.Pro222Ser (NM_001382394.1); c.685C>T, p.Pro229Ser (NM_001382395.1); short protein forms P229S, P222S.
Identifiers: ClinVar variation 4747112 (VCV004747112.1).
Genomic context (GRCh38, chr2:39,054,649, plus strand): 5'-GAGGCATATATACAATGATACTTACATTAGCTGAAAACAATTTTGAATTGGAGACAAAGG[G>A]CTCTCTAAAAACTTTTATAATTAGATTTAGTTCCCTTATATATTGTCGAATTTCTGCCAT-3'
Protein context (NP_005624.2, residues 219-239): LNLIIKVFRE[Pro229Ser]FVSNSKLFSA

ClinVar aggregate classification (germline): Uncertain significance (1 of 4 stars; one submission).

Conditions:
RASopathy. Also called: Noonan spectrum disorder; rasopathies. Identifiers: Orphanet 536391, MedGen C5555857, MONDO:0021060.

gnomAD v4.1: 1 of 1,586,136 alleles (0.000063%); highest among the groups gnomAD compares: Non-Finnish European, 0.000087%; no homozygotes.

Submission:

Labcorp Genetics (formerly Invitae), Labcorp
Classification: Uncertain significance for RASopathy. Last evaluated: 2025-06-18. Review status: criteria provided, single submitter. Criteria: Invitae Variant Classification Sherloc (09022015). Collection method: clinical testing. Allele origin: germline.
Comment: This sequence change replaces proline, which is neutral and non-polar, with serine, which is neutral and polar, at codon 229 of the SOS1 protein (p.Pro229Ser). This variant is not present in population databases (gnomAD no frequency). This variant has not been reported in the literature in individuals affected with SOS1-related conditions. Invitae Evidence Modeling of protein sequence and biophysical properties (such as structural, functional, and spatial information, amino acid conservation, physicochemical variation, residue mobility, and thermodynamic stability) has been performed for this missense variant. However, the output from this modeling did not meet the statistical confidence thresholds required to predict the impact of this variant on SOS1 protein function. In summary, the available evidence is currently insufficient to determine the role of this variant in disease. Therefore, it has been classified as a Variant of Uncertain Significance.